The following is an entry in ClinVar:

NM_024548.4(CEP97):c.1608A>C (p.Lys536Asn)

Gene: CEP97 (centrosomal protein 97; plus strand). Cytogenetic location: 3q12.3.
Variant type: single nucleotide variant.
Coding change: c.1608A>C on transcript NM_024548.4 (MANE Select); coding-DNA position 1608, A replaced by C.
Protein change: p.Lys536Asn; replaces lysine 536 with asparagine.
Molecular consequence: missense variant.
Genome position (GRCh38, 1-based): chr3:101,758,214, A>C. VCF-style: chr3-101758214-A-C. GRCh37 (hg19) VCF-style: chr3-101477058-A-C.
Other names: c.1431A>C, p.Lys477Asn (NM_001303401.2); c.1506A>C, p.Lys502Asn (NM_001410784.1); c.1329A>C, p.Lys443Asn (NM_001410785.1); short protein forms K477N, K502N, K536N, K443N.
Identifiers: ClinVar variation 2840042 (VCV002840042.3), dbSNP rs2545846567, ClinGen allele CA353877973.

ClinVar aggregate classification (germline): Uncertain significance (1 of 4 stars; one submission).

Submission:

Labcorp Genetics (formerly Invitae), Labcorp
Classification: Uncertain significance. Last evaluated: 2023-02-22. Review status: criteria provided, single submitter. Criteria: Invitae Variant Classification Sherloc (09022015). Collection method: clinical testing. Allele origin: germline.
Comment: This sequence change replaces lysine, which is basic and polar, with asparagine, which is neutral and polar, at codon 536 of the CEP97 protein (p.Lys536Asn). This variant is not present in population databases (gnomAD no frequency). This variant has not been reported in the literature in individuals affected with CEP97-related conditions. Advanced modeling of protein sequence and biophysical properties (such as structural, functional, and spatial information, amino acid conservation, physicochemical variation, residue mobility, and thermodynamic stability) performed at Invitae indicates that this missense variant is not expected to disrupt CEP97 protein function. In summary, the available evidence is currently insufficient to determine the role of this variant in disease. Therefore, it has been classified as a Variant of Uncertain Significance.